The following is an entry in ClinVar:

ClinVar aggregate classification (germline): Benign (1 of 4 stars; one submission).

Conditions:
Polycystic liver disease 2 (PCLD2). Also called: Polycystic liver disease 2 with or without kidney cysts. Identifiers: Orphanet 2924, MedGen C4310769, MONDO:0014860, OMIM 617004.

Allele frequency attached by ClinVar (database versions not stated): 1000 Genomes Project 0.01378; gnomAD 0.00785 and 0.00781; TOPMed 0.00847; 1000 Genomes Project 30x 0.01280.

Submission:

Illumina Laboratory Services, Illumina
Classification: Benign for Polycystic liver disease 2. Last evaluated: 2018-01-13. Review status: criteria provided, single submitter. Criteria: ICSL Variant Classification Criteria 13 December 2019. Collection method: clinical testing. Allele origin: germline.
Comment: This variant was observed in the ICSL laboratory as part of a predisposition screen in an ostensibly healthy population. It had not been previously curated by ICSL or reported in the Human Gene Mutation Database (HGMD: prior to June 1st, 2018), and was therefore a candidate for classification through an automated scoring system. Utilizing variant allele frequency, disease prevalence and penetrance estimates, and inheritance mode, an automated score was calculated to assess if this variant is too frequent to cause the disease. Based on the score and internal cut-off values, a variant classified as benign is not then subjected to further curation. The score for this variant resulted in a classification of benign for this disease.

NM_007214.5(SEC63):c.*3895T>C

Gene: SEC63 (SEC63 homolog, protein translocation regulator; minus strand). Cytogenetic location: 6q21.
Variant type: single nucleotide variant.
Coding change: c.*3895T>C on transcript NM_007214.5 (MANE Select); 3895 bases downstream of the stop codon, T replaced by C.
Molecular consequence: 3 prime UTR variant.
Genome position (GRCh38, 1-based): chr6:107,867,809, A>G on the plus strand (T>C on the coding strand, the complement: SEC63 is on the minus strand). VCF-style: chr6-107867809-A-G. GRCh37 (hg19) VCF-style: chr6-108189013-A-G.
Identifiers: ClinVar variation 354807 (VCV000354807.5), dbSNP rs12661966, ClinGen allele CA10625423.